The following is an entry in ClinVar:

ClinVar aggregate classification (germline): Likely benign (1 of 4 stars; one submission).

Allele frequency attached by ClinVar (database versions not stated): gnomAD exomes below 0.00001.

Submission:

CeGaT Center for Human Genetics Tuebingen
Classification: Likely benign. Last evaluated: 2026-09-01. Review status: criteria provided, single submitter. Criteria: CeGaT Center For Human Genetics Tuebingen Variant Classification Criteria Version 2. Collection method: clinical testing. Allele origin: germline. Affected: yes. Observed: 5 variant alleles.
Comment: HLA-B: BP4, BP7

NM_005514.8(HLA-B):c.538C>A (p.Arg180=)

Gene: HLA-B (major histocompatibility complex, class I, B; minus strand). Cytogenetic location: 6p21.33.
Variant type: single nucleotide variant.
Coding change: c.538C>A on transcript NM_005514.8 (MANE Select); coding-DNA position 538, C replaced by A.
Protein change: p.Arg180=; no amino-acid change (arginine 180 retained).
Molecular consequence: synonymous variant.
Genome position (GRCh38, 1-based): chr6:31,356,248, G>T on the plus strand (C>A on the coding strand, the complement: HLA-B is on the minus strand). VCF-style: chr6-31356248-G-T. GRCh37 (hg19) VCF-style: chr6-31324025-G-T.
Identifiers: ClinVar variation 3239177 (VCV003239177.19), dbSNP rs9266144.